The following is an entry in ClinVar:

ClinVar aggregate classification (germline): Uncertain significance. Review status: criteria provided, multiple submitters, no conflicts (2 of 4 stars). 3 submissions from 3 submitters: Uncertain significance (3). Last evaluated 2024-05-21.

Conditions:
Cardiovascular phenotype. Identifiers: MedGen CN230736.
Arrhythmogenic right ventricular dysplasia 11. Also called: Arrhythmogenic Right Ventricular Dysplasia/Cardiomyopathy11; ARRHYTHMOGENIC RIGHT VENTRICULAR DYSPLASIA, FAMILIAL, 11; Arrhythmogenic right ventricular dysplasia 11 with mild palmoplantar keratoderma and woolly hair. Identifiers: MedGen C1864850, MONDO:0012506, OMIM 610476.

Allele frequency attached by ClinVar (database versions not stated): TOPMed 0.00001.

Submissions (3):

Labcorp Genetics (formerly Invitae), Labcorp
Classification: Uncertain significance for Arrhythmogenic right ventricular dysplasia 11. Last evaluated: 2024-05-21. Review status: criteria provided, single submitter. Criteria: Invitae Variant Classification Sherloc (09022015). Collection method: clinical testing. Allele origin: germline.
Comment: This sequence change replaces threonine, which is neutral and polar, with proline, which is neutral and non-polar, at codon 192 of the DSC2 protein (p.Thr192Pro). This variant is not present in population databases (gnomAD no frequency). This variant has not been reported in the literature in individuals affected with DSC2-related conditions. ClinVar contains an entry for this variant (Variation ID: 228625). Advanced modeling of protein sequence and biophysical properties (such as structural, functional, and spatial information, amino acid conservation, physicochemical variation, residue mobility, and thermodynamic stability) performed at Invitae indicates that this missense variant is expected to disrupt DSC2 protein function with a positive predictive value of 80%. In summary, the available evidence is currently insufficient to determine the role of this variant in disease. Therefore, it has been classified as a Variant of Uncertain Significance.

Ambry Genetics
Classification: Uncertain significance for Cardiovascular phenotype. Last evaluated: 2023-09-25. Review status: criteria provided, single submitter. Criteria: Ambry Variant Classification Scheme 2023. Collection method: clinical testing. Allele origin: germline.
Comment: The p.T192P variant (also known as c.574A>C), located in coding exon 5 of the DSC2 gene, results from an A to C substitution at nucleotide position 574. The threonine at codon 192 is replaced by proline, an amino acid with highly similar properties. This amino acid position is highly conserved in available vertebrate species. In addition, this alteration is predicted to be deleterious by in silico analysis. Since supporting evidence is limited at this time, the clinical significance of this alteration remains unclear.

Laboratory for Molecular Medicine, Mass General Brigham Personalized Medicine
Classification: Uncertain significance. Last evaluated: 2015-03-24. Review status: criteria provided, single submitter. Criteria: LMM Criteria. Collection method: clinical testing. Allele origin: germline. Observed: 1 variant allele.
Comment: The p.Thr192Pro variant in DSC2 has not been previously reported in individuals with cardiomyopathy and was absent from large population studies. Computational prediction tools and conservation analyses do not provide strong support for or against an impact to the protein. In summary, the clinical significance of the p .Thr192Pro variant is uncertain.

NM_024422.6(DSC2):c.574A>C (p.Thr192Pro)

Gene: DSC2 (desmocollin 2; minus strand). Cytogenetic location: 18q12.1.
Variant type: single nucleotide variant.
Coding change: c.574A>C on transcript NM_024422.6 (MANE Select); coding-DNA position 574, A replaced by C.
Protein change: p.Thr192Pro; replaces threonine 192 with proline.
Molecular consequence: missense variant.
Genome position (GRCh38, 1-based): chr18:31,089,495, T>G on the plus strand (A>C on the coding strand, the complement: DSC2 is on the minus strand). VCF-style: chr18-31089495-T-G. GRCh37 (hg19) VCF-style: chr18-28669458-T-G.
Other names: c.574A>C, p.Thr192Pro (NM_004949.5); short protein forms T192P.
Identifiers: ClinVar variation 228625 (VCV000228625.17), dbSNP rs876657789, ClinGen allele CA10577048.